The following is an entry in ClinVar:

NM_014780.5(CUL7):c.4848C>A (p.Cys1616Ter)

Gene: CUL7 (cullin 7; minus strand). Cytogenetic location: 6p21.1.
Variant type: single nucleotide variant.
Coding change: c.4848C>A on transcript NM_014780.5 (MANE Select); coding-DNA position 4848, C replaced by A.
Protein change: p.Cys1616Ter; replaces cysteine 1616 with a stop codon.
Molecular consequence: nonsense.
Genome position (GRCh38, 1-based): chr6:43,037,937, G>T on the plus strand (C>A on the coding strand, the complement: CUL7 is on the minus strand). VCF-style: chr6-43037937-G-T. GRCh37 (hg19) VCF-style: chr6-43005675-G-T.
Other names: c.4944C>A, p.Cys1648Ter (NM_001168370.2, NM_001374872.1); c.4860C>A, p.Cys1620Ter (NM_001374873.1); c.4845C>A, p.Cys1615Ter (NM_001374874.1); short protein forms C1615*, C1616*, C1620*, C1648*.
Identifiers: ClinVar variation 1338980 (VCV001338980.2), dbSNP rs149214556, ClinGen allele CA364181945.

ClinVar aggregate classification (germline): Uncertain significance (1 of 4 stars; one submission).

Conditions:
3M syndrome 1. Also called: 3-M Syndrome, CUL7-Related. Identifiers: Orphanet 2616, MedGen C2678312, MONDO:0010117, OMIM 273750.

Submission:

Neuberg Centre For Genomic Medicine, NCGM
Classification: Uncertain significance for 3M syndrome 1. Review status: criteria provided, single submitter. Criteria: ACMG Guidelines, 2015. Collection method: clinical testing. Allele origin: germline. Affected: yes.
Comment: The stop gained p.C1616* in CUL7 (NM_014780.5) has not been reported previously as a pathogenic variant nor as a benign variant, to our knowledge. The p.C1616* variant is novel (not in any individuals) in gnomAD Exomes and is novel (not in any individuals) in 1000 Genomes. This variant is present in the last exon and hence functional studies will be required to demonstrate nonsense mediated decay. For these reasons, this variant has been classified as Uncertain Significance